The following is an entry in ClinVar:

ClinVar aggregate classification (germline): Likely benign. Review status: criteria provided, multiple submitters, no conflicts (2 of 4 stars). 4 submissions from 4 submitters: Likely benign (3). 1 of the submissions does not count toward it. Last evaluated 2026-01-13.

Conditions:
Familial cancer of breast. Also called: BREAST CANCER, FAMILIAL; hereditary breast carcinoma; Hereditary breast cancer. Identifiers: Orphanet 227535, MedGen C0346153, MONDO:0016419, OMIM 114480. Disease mechanism: loss of function.

Allele frequency attached by ClinVar (database versions not stated): gnomAD 0.00001.
gnomAD v4.1: 4 of 1,491,838 alleles (0.00027%); highest among the groups gnomAD compares: East Asian, 0.0023%; no homozygotes.

Submissions (4):

Labcorp Genetics (formerly Invitae), Labcorp
Classification: Likely benign for Familial cancer of breast. Last evaluated: 2026-01-13. Review status: criteria provided, single submitter. Criteria: Invitae Variant Classification Sherloc (09022015). Collection method: clinical testing. Allele origin: germline.

Myriad Genetics, Inc.
Classification: Likely benign for Familial cancer of breast. Last evaluated: 2023-03-08. Review status: criteria provided, single submitter. Criteria: Myriad Autosomal Dominant, Autosomal Recessive and X-Linked Classification Criteria (2023). Collection method: clinical testing. Allele origin: unknown.
Comment: This variant is considered likely benign. This variant is intronic and is not expected to impact mRNA splicing.

GeneDx
Classification: Likely benign. Last evaluated: 2020-06-03. Review status: criteria provided, single submitter. Criteria: GeneDx Variant Classification Process June 2021. Collection method: clinical testing. Allele origin: germline. Affected: yes.

Counsyl
Classification: Likely benign for Familial cancer of breast. Last evaluated: 2016-09-12. Review status: no assertion criteria provided. Collection method: clinical testing. Allele origin: unknown. Not counted in ClinVar's aggregate classification.

NM_007194.4(CHEK2):c.593-9C>T

Gene: CHEK2 (checkpoint kinase 2; minus strand). Cytogenetic location: 22q12.1.
Variant type: single nucleotide variant.
Coding change: c.593-9C>T on transcript NM_007194.4 (MANE Select); 9 bases into the intron before coding-DNA position 593, C replaced by T.
Molecular consequence: intron variant.
Genome position (GRCh38, 1-based): chr22:28,719,494, G>A on the plus strand (C>T on the coding strand, the complement: CHEK2 is on the minus strand). VCF-style: chr22-28719494-G-A. GRCh37 (hg19) VCF-style: chr22-29115482-G-A.
Other names: c.-71-9C>T (NM_001437942.1, NM_001257387.3); c.482+5392C>T (NM_001349956.3); c.593-9C>T (NM_145862.3); c.686-9C>T (NM_001438295.1, NM_001438293.1); c.722-9C>T (NM_001438294.1, NM_001005735.3).
Identifiers: ClinVar variation 371960 (VCV000371960.17), dbSNP rs1057517597, ClinGen allele CA16042191.